The following is an entry in ClinVar:

NM_000426.4(LAMA2):c.7393_7394del (p.Ala2464_Asp2465insTer)

Gene: LAMA2 (laminin subunit alpha 2; plus strand). Cytogenetic location: 6q22.33.
Variant type: Deletion.
Coding change: c.7393_7394del on transcript NM_000426.4 (MANE Select); coding-DNA positions 7393 to 7394, 2 bases deleted (GA; older notation c.7393_7394delGA).
Protein change: p.Ala2464_Asp2465insTer.
Molecular consequence: nonsense.
Genome position (GRCh38, 1-based): chr6:129,473,306-129,473,307, GA deleted; deleting any 2 consecutive bases within chr6:129,473,305-129,473,307 gives the same sequence; the c. name uses the placement nearest the transcript's 3' end. VCF-style (leftmost placement, unchanged base first): chr6-129473304-CAG-C. GRCh37 (hg19) VCF-style: chr6-129794449-CAG-C.
Other names: c.7393_7394del, p.Ala2464_Asp2465insTer (NM_001079823.2).
Identifiers: ClinVar variation 1069086 (VCV001069086.8), dbSNP rs2114823800, ClinGen allele CA2499218085.

ClinVar aggregate classification (germline): Pathogenic (1 of 4 stars; one submission).

Conditions:
LAMA2-related muscular dystrophy (LAMA2-RD). Also called: Laminin alpha 2-related dystrophy. Identifiers: MedGen C5679788, MONDO:0100228.

Submission:

Labcorp Genetics (formerly Invitae), Labcorp
Classification: Pathogenic for LAMA2-related muscular dystrophy. Last evaluated: 2021-10-23. Review status: criteria provided, single submitter. Criteria: Invitae Variant Classification Sherloc (09022015). Collection method: clinical testing. Allele origin: germline.
Comment: ClinVar contains an entry for this variant (Variation ID: 1069086). For these reasons, this variant has been classified as Pathogenic. This variant has not been reported in the literature in individuals affected with LAMA2-related conditions. This variant is not present in population databases (gnomAD no frequency). This sequence change creates a premature translational stop signal (p.Asp2465*) in the LAMA2 gene. It is expected to result in an absent or disrupted protein product. Loss-of-function variants in LAMA2 are known to be pathogenic (PMID: 18700894, 32904964).

Literature cited by the submitters: PubMed 18700894; PubMed 32904964.